The following is an entry in ClinVar:

NM_001031689.3(PLAA):c.1914G>C (p.Gln638His)

Gene: PLAA (phospholipase A2 activating protein; minus strand). Cytogenetic location: 9p21.2.
Variant type: single nucleotide variant.
Coding change: c.1914G>C on transcript NM_001031689.3 (MANE Select); coding-DNA position 1914, G replaced by C.
Protein change: p.Gln638His; replaces glutamine 638 with histidine.
Molecular consequence: missense variant.
Genome position (GRCh38, 1-based): chr9:26,905,985, C>G on the plus strand (G>C on the coding strand, the complement: PLAA is on the minus strand). VCF-style: chr9-26905985-C-G. GRCh37 (hg19) VCF-style: chr9-26905983-C-G.
Other names: c.1845G>C, p.Gln615His (NM_001321546.2); c.1914G>C (NM_001031689.2); short protein forms Q615H, Q638H.
Identifiers: ClinVar variation 1503293 (VCV001503293.9), dbSNP rs775468968, ClinGen allele CA5014197.

ClinVar aggregate classification (germline): Conflicting classifications of pathogenicity. Review status: criteria provided, conflicting classifications (1 of 4 stars). 3 submissions from 3 submitters: Uncertain significance (2); Likely benign (1). Last evaluated 2025-06-03.

Conditions:
Inborn genetic diseases. Identifiers: MedGen C0950123, MeSH D030342.

Allele frequency attached by ClinVar (database versions not stated): gnomAD exomes 0.00001 and 0.00003; ExAC 0.00003; gnomAD 0.00005 and 0.00007; TOPMed 0.00015.
gnomAD v4.1: 27 of 1,613,864 alleles (0.0017%); highest among the groups gnomAD compares: African/African-American, 0.027%; no homozygotes.

Submissions (3):

Ambry Genetics
Classification: Uncertain significance for Inborn genetic diseases. Last evaluated: 2025-06-03. Review status: criteria provided, single submitter. Criteria: Ambry Variant Classification Scheme 2023. Collection method: clinical testing. Allele origin: germline.

Labcorp Genetics (formerly Invitae), Labcorp
Classification: Uncertain significance. Last evaluated: 2023-11-27. Review status: criteria provided, single submitter. Criteria: Invitae Variant Classification Sherloc (09022015). Collection method: clinical testing. Allele origin: germline.
Comment: This sequence change replaces glutamine, which is neutral and polar, with histidine, which is basic and polar, at codon 638 of the PLAA protein (p.Gln638His). This variant is present in population databases (rs775468968, gnomAD 0.05%). This variant has not been reported in the literature in individuals affected with PLAA-related conditions. ClinVar contains an entry for this variant (Variation ID: 1503293). Advanced modeling of protein sequence and biophysical properties (such as structural, functional, and spatial information, amino acid conservation, physicochemical variation, residue mobility, and thermodynamic stability) performed at Invitae indicates that this missense variant is not expected to disrupt PLAA protein function with a negative predictive value of 80%. In summary, the available evidence is currently insufficient to determine the role of this variant in disease. Therefore, it has been classified as a Variant of Uncertain Significance.

Blueprint Genetics
Classification: Likely benign. Last evaluated: 2023-04-20. Review status: criteria provided, single submitter. Criteria: ACMG Guidelines, 2015. Collection method: clinical testing. Allele origin: germline.